The following is an entry in ClinVar:

NM_004364.5(CEBPA):c.198C>T (p.Ala66=)

Gene: CEBPA (CCAAT enhancer binding protein alpha; minus strand). Cytogenetic location: 19q13.11.
Variant type: single nucleotide variant.
Coding change: c.198C>T on transcript NM_004364.5 (MANE Select); coding-DNA position 198, C replaced by T.
Protein change: p.Ala66=; no amino-acid change (alanine 66 retained).
Molecular consequence: synonymous variant. On other transcripts: 5 prime UTR variant (1).
Genome position (GRCh38, 1-based): chr19:33,302,217, G>A on the plus strand (C>T on the coding strand, the complement: CEBPA is on the minus strand). VCF-style: chr19-33302217-G-A. GRCh37 (hg19) VCF-style: chr19-33793123-G-A.
Other names: c.-160C>T (NM_001285829.2); c.303C>T, p.Ala101= (NM_001287424.2); c.156C>T, p.Ala52= (NM_001287435.2).
Identifiers: ClinVar variation 2752902 (VCV002752902.3), dbSNP rs2513332715, ClinGen allele CA507007541.
Genomic context (GRCh38, chr19:33,302,217, plus strand): 5'-CCGGCTGTGCTGGAACAGGTCGGCCAGGAACTCGTCGTTGAAGGCGGCCGGGTCGATGTA[G>A]GCGCTGATGTCGATGGACGTCTCGTGCTCGCAGATGCCGCCCAGCGGCTCCGGGGCGGCA-3'
Protein context (NP_004355.2, residues 56-76): CEHETSIDIS[Ala66=]YIDPAAFNDE

ClinVar aggregate classification (germline): Uncertain significance (1 of 4 stars; one submission).

Conditions:
Acute myeloid leukemia (AML). Also called: Acute myeloid leukemia, adult; AML adult; Acute non-lymphocytic leukemia; Acute granulocytic leukemia; Leukemia, acute myeloid, somatic; Leukemia, acute myelogenous, somatic. Identifiers: Orphanet 519, MedGen C0023467, MeSH D015470, MONDO:0018874, OMIM 601626, HP:0004808. Disease mechanism: Constitutively activated FLT3.

Submission:

Labcorp Genetics (formerly Invitae), Labcorp
Classification: Uncertain significance for Acute myeloid leukemia. Last evaluated: 2023-09-15. Review status: criteria provided, single submitter. Criteria: Invitae Variant Classification Sherloc (09022015). Collection method: clinical testing. Allele origin: germline.
Comment: This sequence change affects codon 66 of the CEBPA mRNA. It is a 'silent' change, meaning that it does not change the encoded amino acid sequence of the CEBPA protein. This variant is not present in population databases (gnomAD no frequency). This variant has not been reported in the literature in individuals affected with CEBPA-related conditions. In summary, the available evidence is currently insufficient to determine the role of this variant in disease. Therefore, it has been classified as a Variant of Uncertain Significance.